The following is an entry in ClinVar:

NM_000492.4(CFTR):c.2458A>G (p.Ile820Val)

Gene: CFTR (CF transmembrane conductance regulator; plus strand). Cytogenetic location: 7q31.2.
Variant type: single nucleotide variant.
Coding change: c.2458A>G on transcript NM_000492.4 (MANE Select); coding-DNA position 2458, A replaced by G.
Protein change: p.Ile820Val; replaces isoleucine 820 with valine.
Molecular consequence: missense variant.
Genome position (GRCh38, 1-based): chr7:117,592,625, A>G. VCF-style: chr7-117592625-A-G. GRCh37 (hg19) VCF-style: chr7-117232679-A-G.
Other names: short protein forms I820V.
Identifiers: ClinVar variation 1791569 (VCV001791569.2), dbSNP rs1255429773, ClinGen allele CA368981438.

ClinVar aggregate classification (germline): Uncertain significance (1 of 4 stars; one submission).

Conditions:
Cystic fibrosis (CF). Also called: MUCOVISCIDOSIS. Identifiers: Orphanet 586, MedGen C0010674, MONDO:0009061, OMIM 219700. Disease mechanism: loss of function.

Submission:

Ambry Genetics
Classification: Uncertain significance for Cystic fibrosis. Last evaluated: 2022-05-30. Review status: criteria provided, single submitter. Criteria: Ambry Variant Classification Scheme 2023. Collection method: clinical testing. Allele origin: germline.
Comment: The p.I820V variant (also known as c.2458A>G), located in coding exon 14 of the CFTR gene, results from an A to G substitution at nucleotide position 2458. The isoleucine at codon 820 is replaced by valine, an amino acid with highly similar properties. This amino acid position is conserved. In addition, the in silico prediction for this alteration is inconclusive. Since supporting evidence is limited at this time, the clinical significance of this alteration remains unclear.